The following is an entry in ClinVar:

ClinVar aggregate classification (germline): Uncertain significance (1 of 4 stars; one submission).

Submission:

Labcorp Genetics (formerly Invitae), Labcorp
Classification: Uncertain significance. Last evaluated: 2024-12-05. Review status: criteria provided, single submitter. Criteria: Invitae Variant Classification Sherloc (09022015). Collection method: clinical testing. Allele origin: germline.
Comment: This sequence change replaces isoleucine, which is neutral and non-polar, with methionine, which is neutral and non-polar, at codon 228 of the KRT6A protein (p.Ile228Met). This variant is not present in population databases (gnomAD no frequency). This variant has not been reported in the literature in individuals affected with KRT6A-related conditions. Invitae Evidence Modeling of protein sequence and biophysical properties (such as structural, functional, and spatial information, amino acid conservation, physicochemical variation, residue mobility, and thermodynamic stability) indicates that this missense variant is not expected to disrupt KRT6A protein function with a negative predictive value of 95%. In summary, the available evidence is currently insufficient to determine the role of this variant in disease. Therefore, it has been classified as a Variant of Uncertain Significance.

NM_005554.4(KRT6A):c.684T>G (p.Ile228Met)

Gene: KRT6A (keratin 6A; minus strand). Cytogenetic location: 12q13.13.
Variant type: single nucleotide variant.
Coding change: c.684T>G on transcript NM_005554.4 (MANE Select); coding-DNA position 684, T replaced by G.
Protein change: p.Ile228Met; replaces isoleucine 228 with methionine.
Molecular consequence: missense variant.
Genome position (GRCh38, 1-based): chr12:52,491,593, A>C on the plus strand (T>G on the coding strand, the complement: KRT6A is on the minus strand). VCF-style: chr12-52491593-A-C. GRCh37 (hg19) VCF-style: chr12-52885377-A-C.
Other names: short protein forms I228M.
Identifiers: ClinVar variation 3608477 (VCV003608477.2).